The following is an entry in ClinVar:

NM_001953.5(TYMP):c.434_437dup (p.Gly147fs)

Gene: TYMP (thymidine phosphorylase; minus strand). Cytogenetic location: 22q13.33.
Variant type: Duplication.
Coding change: c.434_437dup on transcript NM_001953.5 (MANE Select); coding-DNA positions 434 to 437, 4 bases duplicated (GACG; older notation c.434_437dupGACG).
Protein change: p.Gly147fs; shifts the reading frame from glycine 147.
Molecular consequence: frameshift variant.
Genome position (GRCh38, 1-based): chr22:50,528,591-50,528,594, CGTC duplicated on the plus strand (GACG on the coding strand, the reverse complement: TYMP is on the minus strand); duplicating any 4 consecutive bases within chr22:50,528,591-50,528,596 gives the same sequence; the c. name uses the placement nearest the transcript's 3' end. VCF-style (leftmost placement, unchanged base first): chr22-50528590-A-ACGTC. GRCh37 (hg19) VCF-style: chr22-50967019-A-ACGTC.
Other names: c.434_437dup, p.Gly147fs (NM_001113755.3, NM_001113756.3, NM_001257988.1 and 1 more transcripts); short protein forms G147fs.
Identifiers: ClinVar variation 2860166 (VCV002860166.4), dbSNP rs2522539460, ClinGen allele CA2739268044.
Genomic context (GRCh38, chr22:50,528,590, plus strand): 5'-GACATTGAATCCAGGAATAGACTCCAGCTTATCCAAGGTGCCTCCTGTGTGCCCCAGACC[A>ACGTC]CGTCCGCTGATCATTGGCACCTGGTGGTCAGGGATGCTGAGTACCCTGCACAGTACCCCT-3'

ClinVar aggregate classification (germline): Pathogenic. Review status: criteria provided, multiple submitters, no conflicts (2 of 4 stars). 2 submissions from 2 submitters: Pathogenic (2). Last evaluated 2026-03-19.

Conditions:
Mitochondrial DNA depletion syndrome 1. Also called: Mitochondrial neurogastrointestinal encephalomyopathy syndrome; POLIP SYNDROME; POLYNEUROPATHY, OPHTHALMOPLEGIA, LEUKOENCEPHALOPATHY, AND INTESTINAL PSEUDOOBSTRUCTION; Mitochondrial Neurogastrointestinal Encephalopathy Disease; MITOCHONDRIAL NEUROGASTROINTESTINAL ENCEPHALOPATHY SYNDROME, TYMP-RELATED; MNGIE, TYMP-RELATED. Identifiers: Orphanet 298, MedGen C4551995, MONDO:0011283, OMIM 603041.

Submissions (2):

Myriad Genetics, Inc.
Classification: Pathogenic for Mitochondrial DNA depletion syndrome 1. Last evaluated: 2026-03-19. Review status: criteria provided, single submitter. Criteria: Myriad Autosomal Dominant, Autosomal Recessive and X-Linked Classification Criteria (2023). Collection method: clinical testing. Allele origin: unknown.
Comment: NM_001953.4(TYMP):c.434_437dupGACG(G147Tfs*12) is expected to be pathogenic in the context of mitochondrial neurogastrointestinal encephalopathy disease. This variant is predicted to lead to an abnormal or absent protein product due to the creation of a premature termination codon in TYMP, a gene where loss-of-function variants are known to be pathogenic. Please note: this variant was assessed in the context of healthy population screening.

Labcorp Genetics (formerly Invitae), Labcorp
Classification: Pathogenic. Last evaluated: 2023-04-28. Review status: criteria provided, single submitter. Criteria: Invitae Variant Classification Sherloc (09022015). Collection method: clinical testing. Allele origin: germline.
Comment: For these reasons, this variant has been classified as Pathogenic. This variant has not been reported in the literature in individuals affected with TYMP-related conditions. This variant is not present in population databases (gnomAD no frequency). This sequence change creates a premature translational stop signal (p.Gly147Thrfs*12) in the TYMP gene. It is expected to result in an absent or disrupted protein product. Loss-of-function variants in TYMP are known to be pathogenic (PMID: 9924029, 15781193).

Literature cited by the submitters: PubMed 9924029 (cited by Labcorp Genetics (formerly Invitae), Labcorp); PubMed 15781193 (cited by Labcorp Genetics (formerly Invitae), Labcorp).